The following is an entry in ClinVar:

ClinVar aggregate classification (germline): Benign. Review status: criteria provided, multiple submitters, no conflicts (2 of 4 stars). 3 submissions from 3 submitters: Benign (3). Last evaluated 2018-06-19.

Conditions:
Geleophysic dysplasia 1 (GPHYSD1). Also called: Geleophysic dwarfism. Identifiers: Orphanet 2623, MedGen C3278147, MONDO:0009269, OMIM 231050.

Allele frequency attached by ClinVar (database versions not stated): 1000 Genomes Project 0.46366; 1000 Genomes Project 30x 0.47767; gnomAD exomes 0.51965; TOPMed 0.58483; gnomAD 0.58913 and 0.60421.

Submissions (3):

GeneDx
Classification: Benign. Last evaluated: 2018-06-19. Review status: criteria provided, single submitter. Criteria: GeneDx Variant Classification Process June 2021. Collection method: clinical testing. Allele origin: germline. Affected: yes.

Illumina Laboratory Services, Illumina
Classification: Benign for Geleophysic dysplasia 1. Last evaluated: 2018-01-12. Review status: criteria provided, single submitter. Criteria: ICSL Variant Classification Criteria 13 December 2019. Collection method: clinical testing. Allele origin: germline.
Comment: This variant was observed in the ICSL laboratory as part of a predisposition screen in an ostensibly healthy population. It had not been previously curated by ICSL or reported in the Human Gene Mutation Database (HGMD: prior to June 1st, 2018), and was therefore a candidate for classification through an automated scoring system. Utilizing variant allele frequency, disease prevalence and penetrance estimates, and inheritance mode, an automated score was calculated to assess if this variant is too frequent to cause the disease. Based on the score and internal cut-off values, a variant classified as benign is not then subjected to further curation. The score for this variant resulted in a classification of benign for this disease.

Breakthrough Genomics
Classification: Benign. Review status: criteria provided, single submitter. Criteria: ACMG Guidelines, 2015. Collection method: not provided. Allele origin: germline. Inheritance: Autosomal recessive inheritance. Affected: yes.

NM_014694.4(ADAMTSL2):c.*158G>A

Gene: ADAMTSL2 (ADAMTS like 2; plus strand). Cytogenetic location: 9q34.2.
Variant type: single nucleotide variant.
Coding change: c.*158G>A on transcript NM_014694.4 (MANE Select); 158 bases downstream of the stop codon, G replaced by A.
Molecular consequence: 3 prime UTR variant.
Genome position (GRCh38, 1-based): chr9:133,575,022, G>A. VCF-style: chr9-133575022-G-A. GRCh37 (hg19) VCF-style: chr9-136440144-G-A.
Other names: c.*158G>A (NM_001145320.2).
Identifiers: ClinVar variation 365614 (VCV000365614.7), dbSNP rs1105952, ClinGen allele CA10629459.
Genomic context (GRCh38, chr9:133,575,022, plus strand): 5'-CGCTGGCCTAAGAGACGTGGCACTGAGCCTCGGCTGTCGAGAGGGGACTTCCCACGGCCC[G>A]TGGACCTTTGTGCTCCTGGGGCAGAGCCTCCGGCACCCAGTGGCCTCCCCCAGACAGAGC-3'